The following is an entry in ClinVar:

ClinVar aggregate classification (germline): Conflicting classifications of pathogenicity. Review status: criteria provided, conflicting classifications (1 of 4 stars). 7 submissions from 7 submitters: Uncertain significance (4); Likely benign (3). Last evaluated 2025-05-23.

Conditions:
Marfan syndrome (MFS). Also called: Marfan syndrome, classic; FBN1-Related Marfan Syndrome; Marfan syndrome type 1; Marfan's syndrome; MARFAN SYNDROME, TYPE I. Identifiers: Orphanet 284963, Orphanet 558, MedGen C0024796, MONDO:0007947, OMIM 154700.
Familial thoracic aortic aneurysm and aortic dissection (TAAD). Also called: Thoracic aortic aneurysms and dissections. Identifiers: Orphanet 91387, MedGen C4707243, MONDO:0019625.

Allele frequency attached by ClinVar (database versions not stated): gnomAD exomes 0.00001; gnomAD 0.00005; TOPMed 0.00013.
gnomAD v4.1: 13 of 1,613,232 alleles (0.00081%); highest among the groups gnomAD compares: Admixed American, 0.018%; no homozygotes.

Submissions (7):

Ambry Genetics
Classification: Uncertain significance for Familial thoracic aortic aneurysm and aortic dissection. Last evaluated: 2025-05-23. Review status: criteria provided, single submitter. Criteria: Ambry Variant Classification Scheme 2023. Collection method: clinical testing. Allele origin: germline.
Comment: The c.4746A>G variant (also known as p.T1582T), located in coding exon 37 of the FBN1 gene, results from an A to G substitution at nucleotide position 4746. This nucleotide substitution does not change the amino acid at codon 1582. This nucleotide position is not well conserved in available vertebrate species. In silico splice site analysis for this alteration is inconclusive. Based on the available evidence, the clinical significance of this variant remains unclear.

Labcorp Genetics (formerly Invitae), Labcorp
Classification: Uncertain significance for Marfan syndrome; Familial thoracic aortic aneurysm and aortic dissection. Last evaluated: 2025-05-11. Review status: criteria provided, single submitter. Criteria: Invitae Variant Classification Sherloc (09022015). Collection method: clinical testing. Allele origin: germline.
Comment: This sequence change affects codon 1582 of the FBN1 mRNA. It is a 'silent' change, meaning that it does not change the encoded amino acid sequence of the FBN1 protein. It affects a nucleotide within the consensus splice site. This variant is present in population databases (rs794727601, gnomAD no frequency). This variant has not been reported in the literature in individuals affected with FBN1-related conditions. ClinVar contains an entry for this variant (Variation ID: 197022). Algorithms developed to predict the effect of sequence changes on RNA splicing suggest that this variant is not likely to affect RNA splicing. In summary, the available evidence is currently insufficient to determine the role of this variant in disease. Therefore, it has been classified as a Variant of Uncertain Significance.

GeneDx
Classification: Likely benign. Last evaluated: 2024-10-14. Review status: criteria provided, single submitter. Criteria: GeneDx Variant Classification Process June 2021. Collection method: clinical testing. Allele origin: germline. Affected: yes.
Comment: See Variant Classification Assertion Criteria.

Women's Health and Genetics/Laboratory Corporation of America, LabCorp
Classification: Uncertain significance. Last evaluated: 2024-10-04. Review status: criteria provided, single submitter. Criteria: LabCorp Variant Classification Summary - May 2015. Collection method: clinical testing. Allele origin: germline.
Comment: Variant summary: FBN1 c.4746A>G (p.Thr1582Thr) alters a non-conserved nucleotide located close to a canonical splice site and therefore could affect mRNA splicing, leading to a significantly altered protein sequence. Consensus agreement among computation tools predict no significant impact on normal splicing. However, these predictions have yet to be confirmed by functional studies. The variant allele was found at a frequency of 8e-06 in 251218 control chromosomes (gnomAD). The available data on variant occurrences in the general population are insufficient to allow any conclusion about variant significance. To our knowledge, no occurrence of c.4746A>G in individuals affected with Marfan Syndrome and no experimental evidence demonstrating its impact on protein function have been reported. ClinVar contains an entry for this variant (Variation ID: 197022). Based on the evidence outlined above, the variant was classified as uncertain significance.

All of Us Research Program, National Institutes of Health
Classification: Likely benign for Marfan syndrome. Last evaluated: 2023-12-13. Review status: criteria provided, single submitter. Criteria: ACMG Guidelines, 2015. Collection method: clinical testing. Allele origin: germline. Inheritance: Autosomal dominant inheritance. Observed: 4 variant alleles, 4 heterozygotes.
Comment: This study involves interpretation of variants in research participants for the purpose of population health screening. Participant phenotype was not available at the time of variant classification. Additional details can be found in publication PMID: 35346344, PMCID: PMC8962531

Color Diagnostics, LLC DBA Color Health
Classification: Likely benign for Familial thoracic aortic aneurysm and aortic dissection. Last evaluated: 2020-02-09. Review status: criteria provided, single submitter. Criteria: ACMG Guidelines, 2015. Collection method: clinical testing. Allele origin: germline.

Eurofins Ntd Llc (ga)
Classification: Uncertain significance. Last evaluated: 2014-10-02. Review status: criteria provided, single submitter. Criteria: EGL Classification Definitions 2015. Collection method: clinical testing. Allele origin: germline. Observed: 1 variant allele, 1 heterozygote.

NM_000138.5(FBN1):c.4746A>G (p.Thr1582=)

Gene: FBN1 (fibrillin 1; minus strand). Cytogenetic location: 15q21.1.
Variant type: single nucleotide variant.
Coding change: c.4746A>G on transcript NM_000138.5 (MANE Select); coding-DNA position 4746, A replaced by G.
Protein change: p.Thr1582=; no amino-acid change (threonine 1582 retained).
Molecular consequence: synonymous variant.
Genome position (GRCh38, 1-based): chr15:48,467,939, T>C on the plus strand (A>G on the coding strand, the complement: FBN1 is on the minus strand). VCF-style: chr15-48467939-T-C. GRCh37 (hg19) VCF-style: chr15-48760136-T-C.
Identifiers: ClinVar variation 197022 (VCV000197022.17), dbSNP rs794727601, ClinGen allele CA015400.